The following is an entry in ClinVar:

ClinVar aggregate classification (germline): Likely benign. Review status: criteria provided, multiple submitters, no conflicts (2 of 4 stars). 2 submissions from 2 submitters: Likely benign (2). Last evaluated 2024-11-01.

gnomAD v4.1: 1,434 of 1,614,188 alleles (0.089%); highest among the groups gnomAD compares: East Asian, 0.18%; 4 homozygotes.

Submissions (2):

CeGaT Center for Human Genetics Tuebingen
Classification: Likely benign. Last evaluated: 2024-11-01. Review status: criteria provided, single submitter. Criteria: CeGaT Center For Human Genetics Tuebingen Variant Classification Criteria Version 2. Collection method: clinical testing. Allele origin: germline. Affected: yes. Observed: 1 variant allele.
Comment: C3AR1: BP4, BP7

Blueprint Genetics
Classification: Likely benign. Last evaluated: 2024-09-02. Review status: criteria provided, single submitter. Criteria: ACMG Guidelines, 2015. Collection method: clinical testing. Allele origin: germline.

NM_004054.4(C3AR1):c.270C>T (p.Tyr90=)

Gene: C3AR1 (complement C3a receptor 1; minus strand). Cytogenetic location: 12p13.31.
Variant type: single nucleotide variant.
Coding change: c.270C>T on transcript NM_004054.4 (MANE Select); coding-DNA position 270, C replaced by T.
Protein change: p.Tyr90=; no amino-acid change (tyrosine 90 retained).
Molecular consequence: synonymous variant.
Genome position (GRCh38, 1-based): chr12:8,059,916, G>A on the plus strand (C>T on the coding strand, the complement: C3AR1 is on the minus strand). VCF-style: chr12-8059916-G-A. GRCh37 (hg19) VCF-style: chr12-8212512-G-A.
Other names: c.270C>T, p.Tyr90= (NM_001326475.2, NM_001326477.2).
Identifiers: ClinVar variation 3387963 (VCV003387963.15).